The following is an entry in ClinVar:

ClinVar aggregate classification (germline): Likely benign (1 of 4 stars; one submission).

Allele frequency attached by ClinVar (database versions not stated): gnomAD exomes below 0.00001.

Submission:

CeGaT Center for Human Genetics Tuebingen
Classification: Likely benign. Last evaluated: 2023-07-01. Review status: criteria provided, single submitter. Criteria: CeGaT Center For Human Genetics Tuebingen Variant Classification Criteria Version 2. Collection method: clinical testing. Allele origin: germline. Affected: yes. Observed: 1 variant allele.
Comment: NOTCH3: BP4, BP7

NM_000435.3(NOTCH3):c.2847G>A (p.Leu949=)

Gene: NOTCH3 (notch receptor 3; minus strand). Cytogenetic location: 19p13.12.
Variant type: single nucleotide variant.
Coding change: c.2847G>A on transcript NM_000435.3 (MANE Select); coding-DNA position 2847, G replaced by A.
Protein change: p.Leu949=; no amino-acid change (leucine 949 retained).
Molecular consequence: synonymous variant.
Genome position (GRCh38, 1-based): chr19:15,181,108, C>T on the plus strand (G>A on the coding strand, the complement: NOTCH3 is on the minus strand). VCF-style: chr19-15181108-C-T. GRCh37 (hg19) VCF-style: chr19-15291919-C-T.
Identifiers: ClinVar variation 2649438 (VCV002649438.24), dbSNP rs1225942768, ClinGen allele CA505824907.